The following is an entry in ClinVar:

ClinVar aggregate classification (germline): Uncertain significance (1 of 4 stars; one submission).

Conditions:
Inborn genetic diseases. Identifiers: MedGen C0950123, MeSH D030342.

Submission:

Ambry Genetics
Classification: Uncertain significance for Inborn genetic diseases. Last evaluated: 2026-06-08. Review status: criteria provided, single submitter. Criteria: Ambry Variant Classification Scheme 2023. Collection method: clinical testing. Allele origin: germline.
Comment: The p.M1? variant (also known as c.3G>A) is located in coding exon 1 of the RUNX1 gene and results from a G to A substitution at nucleotide position 3. This alters the methionine residue at the initiation codon (ATG). However, there is an alternative initiation (or start) codon in another clinically/biologically relevant transcript. Based on the available evidence, the clinical significance of this variant remains unclear.

NM_001754.5(RUNX1):c.3G>A (p.Met1Ile)

Gene: RUNX1 (RUNX family transcription factor 1; minus strand). Cytogenetic location: 21q22.12.
Variant type: single nucleotide variant.
Coding change: c.3G>A on transcript NM_001754.5 (MANE Select); coding-DNA position 3, G replaced by A.
Protein change: p.Met1Ile; changes the start codon (methionine 1).
Molecular consequence: missense variant, initiator codon variant.
Genome position (GRCh38, 1-based): chr21:35,048,897, C>T on the plus strand (G>A on the coding strand, the complement: RUNX1 is on the minus strand). VCF-style: chr21-35048897-C-T. GRCh37 (hg19) VCF-style: chr21-36421194-C-T.
Other names: short protein forms M1I.
Identifiers: ClinVar variation 4863664 (VCV004863664.1).